The following is an entry in ClinVar:

NM_002949.4(MRPL12):c.73A>G (p.Arg25Gly)

Gene: MRPL12 (mitochondrial ribosomal protein L12; plus strand). Cytogenetic location: 17q25.3.
Variant type: single nucleotide variant.
Coding change: c.73A>G on transcript NM_002949.4 (MANE Select); coding-DNA position 73, A replaced by G.
Protein change: p.Arg25Gly; replaces arginine 25 with glycine.
Molecular consequence: missense variant.
Genome position (GRCh38, 1-based): chr17:81,703,574, A>G. VCF-style: chr17-81703574-A-G. GRCh37 (hg19) VCF-style: chr17-79670604-A-G.
Other names: short protein forms R25G.
Identifiers: ClinVar variation 1938901 (VCV001938901.5), dbSNP rs767111957, ClinGen allele CA8841227.
Genomic context (GRCh38, chr17:81,703,574, plus strand): 5'-GCCGCTCGCCCCCTGTGGGGGCCTTGCCTTGGGCTTCGGGCCGCTGCGTTCCGCCTTGCC[A>G]GGTACGCGGGATCCTGGGGCGGTCCGGGCCGGCAGGCGGGTTAGGGGGCAGCCGGGCACT-3'
Protein context (NP_002940.2, residues 15-35): GLRAAAFRLA[Arg25Gly]RQVPCVCAVR

ClinVar aggregate classification (germline): Uncertain significance (1 of 4 stars; one submission).

Allele frequency attached by ClinVar (database versions not stated): gnomAD exomes 0.00001; gnomAD 0.00007; TOPMed 0.00007.

Submission:

Labcorp Genetics (formerly Invitae), Labcorp
Classification: Uncertain significance. Last evaluated: 2022-07-22. Review status: criteria provided, single submitter. Criteria: Invitae Variant Classification Sherloc (09022015). Collection method: clinical testing. Allele origin: germline.
Comment: This sequence change replaces arginine, which is basic and polar, with glycine, which is neutral and non-polar, at codon 25 of the MRPL12 protein (p.Arg25Gly). In summary, the available evidence is currently insufficient to determine the role of this variant in disease. Therefore, it has been classified as a Variant of Uncertain Significance. Algorithms developed to predict the effect of missense changes on protein structure and function are either unavailable or do not agree on the potential impact of this missense change (SIFT: "Tolerated"; PolyPhen-2: "Probably Damaging"; Align-GVGD: "Class C0"). This variant has not been reported in the literature in individuals affected with MRPL12-related conditions. This variant is present in population databases (rs767111957, gnomAD 0.02%).